The following is an entry in ClinVar:

NM_006308.3(HSPB3):c.98dup (p.Leu34fs)

Gene: HSPB3 (heat shock protein family B (small) member 3; plus strand). Cytogenetic location: 5q11.2.
Variant type: Duplication.
Coding change: c.98dup on transcript NM_006308.3 (MANE Select); coding-DNA position 98, one base duplicated (C; older notation c.98dupC).
Protein change: p.Leu34fs; shifts the reading frame from leucine 34.
Molecular consequence: frameshift variant.
Genome position (GRCh38, 1-based): chr5:54,455,887, C duplicated. VCF-style (leftmost placement, unchanged base first): chr5-54455886-G-GC. GRCh37 (hg19) VCF-style: chr5-53751716-G-GC.
Other names: c.98dupC (NM_006308.2); short protein forms L34fs.
Identifiers: ClinVar variation 648201 (VCV000648201.9), dbSNP rs778166378, ClinGen allele CA3264605.
Genomic context (GRCh38, chr5:54,455,886, plus strand): 5'-CCAGTGCGTTACCAGGAAGAGTTTGAAGCTCGAGGTCTAGAAGACTGCAGGCTGGATCAT[G>GC]CTTTATATGCACTGCCTGGGCCAACCATCGTGGACCTGAGGAAAACCAGGGCAGCGCAGT-3'

ClinVar aggregate classification (germline): Conflicting classifications of pathogenicity. Review status: criteria provided, conflicting classifications (1 of 4 stars). 3 submissions from 3 submitters: Uncertain significance (2); Likely benign (1). Last evaluated 2024-11-04.

Conditions:
Neuronopathy, distal hereditary motor, type 2C. Also called: HMN IIC; NEUROPATHY, DISTAL HEREDITARY MOTOR, AUTOSOMAL DOMINANT 4; NEURONOPATHY, DISTAL HEREDITARY MOTOR, HARDING TYPE IIC; NEUROPATHY, DISTAL HEREDITARY MOTOR, HARDING TYPE IIC. Identifiers: Orphanet 139525, MedGen C3150619, MONDO:0013243, OMIM 613376.

Allele frequency attached by ClinVar (database versions not stated): ExAC 0.00007; gnomAD exomes 0.00007 and 0.00017; ESP Exome Variant Server 0.00008; gnomAD 0.00009; TOPMed 0.00011.

Submissions (3):

Blueprint Genetics
Classification: Likely benign. Last evaluated: 2024-11-04. Review status: criteria provided, single submitter. Criteria: ACMG Guidelines, 2015. Collection method: clinical testing. Allele origin: germline.

Labcorp Genetics (formerly Invitae), Labcorp
Classification: Uncertain significance for Neuronopathy, distal hereditary motor, type 2C. Last evaluated: 2023-08-23. Review status: criteria provided, single submitter. Criteria: Invitae Variant Classification Sherloc (09022015). Collection method: clinical testing. Allele origin: germline.
Comment: In summary, the available evidence is currently insufficient to determine the role of this variant in disease. Therefore, it has been classified as a Variant of Uncertain Significance. ClinVar contains an entry for this variant (Variation ID: 648201). This variant has not been reported in the literature in individuals affected with HSPB3-related conditions. This variant is present in population databases (rs778166378, gnomAD 0.01%). This sequence change creates a premature translational stop signal (p.Leu34Phefs*50) in the HSPB3 gene. While this is not anticipated to result in nonsense mediated decay, it is expected to disrupt the last 117 amino acid(s) of the HSPB3 protein.

Revvity Omics, Revvity
Classification: Uncertain significance for Neuronopathy, distal hereditary motor, type 2C. Last evaluated: 2021-12-06. Review status: criteria provided, single submitter. Criteria: ACMG Guidelines, 2015. Collection method: clinical testing. Allele origin: germline.